The following is an entry in ClinVar:

ClinVar aggregate classification (germline): Conflicting classifications of pathogenicity. Review status: criteria provided, conflicting classifications (1 of 4 stars). 4 submissions from 4 submitters: Uncertain significance (1); Benign (1); Likely benign (1). 1 of the submissions does not count toward it. Last evaluated 2026-01-28.

Conditions:
RBP3-related disorder. Also called: RBP3-related condition.
Retinitis pigmentosa (RP). Identifiers: Orphanet 791, MedGen C0035334, MeSH D012174, MONDO:0019200, OMIM 268000. Inheritance: Autosomal dominant, autosomal recessive and X linked inheritance.

Allele frequency attached by ClinVar (database versions not stated): gnomAD 0.00006 and 0.00007; TOPMed 0.00010; ESP Exome Variant Server 0.00015; gnomAD exomes 0.00019; ExAC 0.00022.
gnomAD v4.1: 166 of 1,610,732 alleles (0.01%); highest among the groups gnomAD compares: Admixed American, 0.022%; no homozygotes.

Submissions (4):

Labcorp Genetics (formerly Invitae), Labcorp
Classification: Benign. Last evaluated: 2026-01-28. Review status: criteria provided, single submitter. Criteria: Invitae Variant Classification Sherloc (09022015). Collection method: clinical testing. Allele origin: germline.

Blueprint Genetics
Classification: Likely benign. Last evaluated: 2024-11-26. Review status: criteria provided, single submitter. Criteria: ACMG Guidelines, 2015. Collection method: clinical testing. Allele origin: germline.

Illumina Laboratory Services, Illumina
Classification: Uncertain significance for Retinitis pigmentosa. Last evaluated: 2018-01-13. Review status: criteria provided, single submitter. Criteria: ICSL Variant Classification Criteria 13 December 2019. Collection method: clinical testing. Allele origin: germline.

PreventionGenetics, part of Exact Sciences
Classification: Likely benign for RBP3-related condition. Last evaluated: 2020-02-19. Review status: no assertion criteria provided. Collection method: clinical testing. Allele origin: germline. Not counted in ClinVar's aggregate classification.
Comment: This variant is classified as likely benign based on ACMG/AMP sequence variant interpretation guidelines (Richards et al. 2015 PMID: 25741868, with internal and published modifications).

NM_002900.3(RBP3):c.2556C>T (p.Ala852=)

Gene: RBP3 (retinol binding protein 3; plus strand). Cytogenetic location: 10q11.22.
Variant type: single nucleotide variant.
Coding change: c.2556C>T on transcript NM_002900.3 (MANE Select); coding-DNA position 2556, C replaced by T.
Protein change: p.Ala852=; no amino-acid change (alanine 852 retained).
Molecular consequence: synonymous variant.
Genome position (GRCh38, 1-based): chr10:47,351,040, C>T. VCF-style: chr10-47351040-C-T. GRCh37 (hg19) VCF-style: chr10-48388322-G-A.
Identifiers: ClinVar variation 299963 (VCV000299963.15), dbSNP rs375422843, ClinGen allele CA5487254.